The following is an entry in ClinVar:

ClinVar aggregate classification (germline): Conflicting classifications of pathogenicity. Review status: criteria provided, conflicting classifications (1 of 4 stars). 5 submissions from 5 submitters: Uncertain significance (3); Likely benign (1). 1 of the submissions does not count toward it. Last evaluated 2024-07-22.

Conditions:
Inborn genetic diseases. Identifiers: MedGen C0950123, MeSH D030342.
Hereditary insensitivity to pain with anhidrosis (CIPA). Also called: NTRK1 Congenital Insensitivity to Pain with Anhidrosis; HSAN Type IV; FAMILIAL DYSAUTONOMIA, TYPE II; NEUROPATHY, CONGENITAL SENSORY, WITH ANHIDROSIS; hereditary sensory and autonomic neuropathy type 4; INSENSITIVITY TO PAIN, CONGENITAL, WITH ANHIDROSIS. Identifiers: Orphanet 642, MedGen C0020074, MONDO:0009746, OMIM 256800.
Familial medullary thyroid carcinoma (MTC). Also called: Thyroid cancer, familial medullary; MTC, familial; Familial Medullary Thyroid Carcinoma (FMTC). Identifiers: Orphanet 653, Orphanet 99361, MedGen C1833921, MONDO:0007958, OMIM 155240.

Allele frequency attached by ClinVar (database versions not stated): gnomAD 0.00013; TOPMed 0.00013; ExAC 0.00004.
gnomAD v4.1: 45 of 1,613,750 alleles (0.0028%); highest among the groups gnomAD compares: African/African-American, 0.031%; 1 homozygote.

Submissions (5):

Labcorp Genetics (formerly Invitae), Labcorp
Classification: Likely benign for Hereditary insensitivity to pain with anhidrosis. Last evaluated: 2024-07-22. Review status: criteria provided, single submitter. Criteria: Invitae Variant Classification Sherloc (09022015). Collection method: clinical testing. Allele origin: germline.

Ambry Genetics
Classification: Uncertain significance for Inborn genetic diseases. Last evaluated: 2022-06-10. Review status: criteria provided, single submitter. Criteria: Ambry Variant Classification Scheme 2023. Collection method: clinical testing. Allele origin: germline.
Comment: The p.R548Q variant (also known as c.1643G>A), located in coding exon 13 of the NTRK1 gene, results from a G to A substitution at nucleotide position 1643. The arginine at codon 548 is replaced by glutamine, an amino acid with highly similar properties. This amino acid position is conserved. In addition, the in silico prediction for this alteration is inconclusive. Since supporting evidence is limited at this time, the clinical significance of this alteration remains unclear.

Mendelics
Classification: Uncertain significance for Familial medullary thyroid carcinoma. Last evaluated: 2018-07-02. Review status: criteria provided, single submitter. Criteria: Mendelics Assertion Criteria 2017. Collection method: clinical testing. Allele origin: unknown.

GeneDx
Classification: Uncertain significance. Last evaluated: 2017-03-17. Review status: criteria provided, single submitter. Criteria: GeneDx Variant Classification (06012015). Collection method: clinical testing. Allele origin: germline. Affected: yes.
Comment: A variant of uncertain significance has been identified in the NTRK1 gene. The R548Q variant has not been published as a pathogenic variant, nor has it been reported as a benign variant to our knowledge. The R548Q variant is not observed at a significant frequency in large population cohorts (Lek et al., 2016; 1000 Genomes Consortium et al., 2015; Exome Variant Server). The R548Q variant is a semi-conservative amino acid substitution, which may impact secondary protein structure as these residues differ in some properties. This substitution occurs at a position that is conserved across species, and in silico analysis predicts this variant is probably damaging to the protein structure/function. However, missense variants in nearby residues have not been reported in Human Gene Mutation Database in association with NTRK1-related disorders (Stenson et al., 2014). Therefore, based on the currently available information, it is unclear whether this variant is a pathogenic variant or a rare benign variant.

Natera, Inc.
Classification: Uncertain significance for Hereditary insensitivity to pain with anhidrosis. Last evaluated: 2020-04-17. Review status: no assertion criteria provided. Collection method: clinical testing. Allele origin: germline. Not counted in ClinVar's aggregate classification.

NM_002529.4(NTRK1):c.1661G>A (p.Arg554Gln)

Gene: NTRK1 (neurotrophic receptor tyrosine kinase 1; plus strand). Cytogenetic location: 1q23.1.
Variant type: single nucleotide variant.
Coding change: c.1661G>A on transcript NM_002529.4 (MANE Select); coding-DNA position 1661, G replaced by A.
Protein change: p.Arg554Gln; replaces arginine 554 with glutamine.
Molecular consequence: missense variant.
Genome position (GRCh38, 1-based): chr1:156,876,428, G>A. VCF-style: chr1-156876428-G-A. GRCh37 (hg19) VCF-style: chr1-156846220-G-A.
Other names: c.1553G>A, p.Arg518Gln (NM_001007792.1); c.1643G>A, p.Arg548Gln (NM_001012331.2); short protein forms R518Q, R548Q, R554Q.
Identifiers: ClinVar variation 234877 (VCV000234877.11), dbSNP rs764417252, ClinGen allele CA1169434.